The following is an entry in ClinVar:

ClinVar aggregate classification (germline): Uncertain significance (1 of 4 stars; one submission).

Submission:

Labcorp Genetics (formerly Invitae), Labcorp
Classification: Uncertain significance. Last evaluated: 2022-09-01. Review status: criteria provided, single submitter. Criteria: Invitae Variant Classification Sherloc (09022015). Collection method: clinical testing. Allele origin: germline.
Comment: This sequence change replaces histidine, which is basic and polar, with proline, which is neutral and non-polar, at codon 176 of the MSH3 protein (p.His176Pro). This variant is not present in population databases (gnomAD no frequency). This variant has not been reported in the literature in individuals affected with MSH3-related conditions. Algorithms developed to predict the effect of missense changes on protein structure and function are either unavailable or do not agree on the potential impact of this missense change (SIFT: "Deleterious"; PolyPhen-2: "Benign"; Align-GVGD: "Class C0"). In summary, the available evidence is currently insufficient to determine the role of this variant in disease. Therefore, it has been classified as a Variant of Uncertain Significance.

NM_002439.5(MSH3):c.527A>C (p.His176Pro)

Gene: MSH3 (mutS homolog 3; plus strand). Cytogenetic location: 5q14.1.
Variant type: single nucleotide variant.
Coding change: c.527A>C on transcript NM_002439.5 (MANE Select); coding-DNA position 527, A replaced by C.
Protein change: p.His176Pro; replaces histidine 176 with proline.
Molecular consequence: missense variant.
Genome position (GRCh38, 1-based): chr5:80,665,311, A>C. VCF-style: chr5-80665311-A-C. GRCh37 (hg19) VCF-style: chr5-79961130-A-C.
Other names: short protein forms H176P.
Identifiers: ClinVar variation 2188933 (VCV002188933.4), dbSNP rs1749545371, ClinGen allele CA360264223.
Genomic context (GRCh38, chr5:80,665,311, plus strand): 5'-TGCAGGAGAGATTTGCAGTTCTGCCAAAATGTACTGATTTTGATGATATCAGTCTTCTAC[A>C]CGCAAAGAATGCAGTTTCTTCTGAAGATTCGAAACGTCAAATTAATCAAAAGGTATGTAA-3'
Protein context (NP_002430.3, residues 166-186): CTDFDDISLL[His176Pro]AKNAVSSEDS